The following is an entry in ClinVar:

NM_006371.5(CRTAP):c.688G>T (p.Glu230Ter)

Gene: CRTAP (cartilage associated protein; plus strand). Cytogenetic location: 3p22.3.
Variant type: single nucleotide variant.
Coding change: c.688G>T on transcript NM_006371.5 (MANE Select); coding-DNA position 688, G replaced by T.
Protein change: p.Glu230Ter; replaces glutamic acid 230 with a stop codon.
Molecular consequence: nonsense.
Genome position (GRCh38, 1-based): chr3:33,124,474, G>T. VCF-style: chr3-33124474-G-T. GRCh37 (hg19) VCF-style: chr3-33165966-G-T.
Other names: c.688G>T, p.Glu230Ter (NM_001393363.1, NM_001393364.1); c.538G>T, p.Glu180Ter (NM_001393365.1); short protein forms E180*, E230*.
Identifiers: ClinVar variation 1687531 (VCV001687531.1), dbSNP rs1488345176, ClinGen allele CA352009409.

ClinVar aggregate classification (germline): Likely pathogenic (1 of 4 stars; one submission).

Conditions:
Osteogenesis imperfecta type 7 (OI7). Also called: OI type 7; OI type VII; OSTEOGENESIS IMPERFECTA, TYPE IIB; Osteogenesis imperfecta type 2B; OI type 2B; Osteogenesis imperfecta, perinatal lethal autosomal recessive. Identifiers: MedGen C1853162, MONDO:0012536, OMIM 610682.

Submission:

3billion
Classification: Likely pathogenic for Osteogenesis imperfecta type 7. Last evaluated: 2022-05-22. Review status: criteria provided, single submitter. Criteria: ACMG Guidelines, 2015. Collection method: clinical testing. Allele origin: germline. Affected: yes. Observed: 1 heterozygote.
Comment: The variant is not observed in the gnomAD v2.1.1 dataset. Stop-gained (nonsense): predicted to result in a loss or disruption of normal protein function through nonsense-mediated decay (NMD) or protein truncation. Multiple pathogenic variants are reported downstream of the variant. Therefore, this variant is classified as likely pathogenic according to the recommendation of ACMG/AMP guideline.